The following is an entry in ClinVar:

NM_002875.5(RAD51):c.490G>C (p.Gly164Arg)

Gene: RAD51 (RAD51 recombinase; plus strand). Cytogenetic location: 15q15.1.
Variant type: single nucleotide variant.
Coding change: c.490G>C on transcript NM_002875.5 (MANE Select); coding-DNA position 490, G replaced by C.
Protein change: p.Gly164Arg; replaces glycine 164 with arginine.
Molecular consequence: missense variant.
Genome position (GRCh38, 1-based): chr15:40,718,859, G>C. VCF-style: chr15-40718859-G-C. GRCh37 (hg19) VCF-style: chr15-41011057-G-C.
Other names: c.493G>C, p.Gly165Arg (NM_001164269.2, NM_133487.4); c.490G>C, p.Gly164Arg (NM_001164270.2); short protein forms G164R, G165R.
Identifiers: ClinVar variation 1315645 (VCV001315645.2), dbSNP rs1896119687, ClinGen allele CA391753476.

ClinVar aggregate classification (germline): Uncertain significance (1 of 4 stars; one submission).

Submission:

GeneDx
Classification: Uncertain significance. Last evaluated: 2019-05-29. Review status: criteria provided, single submitter. Criteria: GeneDx Variant Classification Process June 2021. Collection method: clinical testing. Allele origin: germline. Affected: yes.
Comment: Not observed in large population cohorts (Lek et al., 2016); In silico analysis, which includes protein predictors and evolutionary conservation, supports a deleterious effect; Has not been previously published as pathogenic or benign to our knowledge